The following is an entry in ClinVar:

ClinVar aggregate classification (germline): Pathogenic. Review status: criteria provided, single submitter (1 of 4 stars). 2 submissions from 2 submitters: Pathogenic (1). 1 of the submissions does not count toward it. Last evaluated 2015-05-14.

Conditions:
Usher syndrome type 1F (USH1F). Also called: USHER SYNDROME, TYPE IF. Identifiers: Orphanet 231169, Orphanet 886, MedGen C1865885, MONDO:0011186, OMIM 602083.

Allele frequency attached by ClinVar (database versions not stated): gnomAD exomes below 0.00001.
gnomAD v4.1: 3 of 1,605,032 alleles (0.00019%); highest among the groups gnomAD compares: Non-Finnish European, 0.00026%; no homozygotes.

Submissions (2):

GeneDx
Classification: Pathogenic. Last evaluated: 2015-05-14. Review status: criteria provided, single submitter. Criteria: GeneDx Variant Classification (06012015). Collection method: clinical testing. Allele origin: germline. Affected: yes.
Comment: The c.3984-1 G>C splice site variant in the PCDH15 gene destroys the canonical splice acceptor site inintron 29. It is predicted to cause abnormal gene splicing, either leading to an abnormal message that issubject to nonsense-mediated mRNA decay, or to an abnormal protein product if the message is used forprotein translation. The c.3984-1 G>C variant was not observed in approximately 6,500 individuals ofEuropean and African American ancestry in the NHLBI Exome Sequencing Project, indicating it is not acommon benign variant in these populations. Therefore, we interpret this variant as pathogenic.

Counsyl
Classification: Likely pathogenic for Usher syndrome type 1F. Last evaluated: 2017-12-29. Review status: no assertion criteria provided. Collection method: clinical testing. Allele origin: unknown. Not counted in ClinVar's aggregate classification.

NM_001384140.1(PCDH15):c.3984-1G>C

Gene: PCDH15 (protocadherin related 15; minus strand). Cytogenetic location: 10q21.1.
Variant type: single nucleotide variant.
Coding change: c.3984-1G>C on transcript NM_001384140.1 (MANE Select); the canonical splice acceptor site of the intron before coding-DNA position 3984, G replaced by C.
Molecular consequence: splice acceptor variant.
Genome position (GRCh38, 1-based): chr10:53,831,534, C>G on the plus strand (G>C on the coding strand, the complement: PCDH15 is on the minus strand). VCF-style: chr10-53831534-C-G. GRCh37 (hg19) VCF-style: chr10-55591294-C-G.
Other names: c.3984-1G>C (NM_001354420.2, NM_001354429.2, NM_001142772.2 and 4 more transcripts); c.3999-1G>C (NM_001142771.2, NM_001142763.2); c.4005-1G>C (NM_001354411.2); c.4020-1G>C (NM_001142769.3); c.3918-1G>C (NM_001354404.2, NM_001142773.2, NM_001142768.2); c.3873-1G>C (NM_001142767.2); c.3771-1G>C (NM_001142765.2).
Identifiers: ClinVar variation 379716 (VCV000379716.3), dbSNP rs1057520709, ClinGen allele CA16606664.